The following is an entry in ClinVar:

NM_015450.3(POT1):c.821del (p.Gly274fs)

Gene: POT1 (protection of telomeres 1; minus strand). Cytogenetic location: 7q31.33.
Variant type: Deletion.
Coding change: c.821del on transcript NM_015450.3 (MANE Select); coding-DNA position 821, one base deleted (G; older notation c.821delG).
Protein change: p.Gly274fs; shifts the reading frame from glycine 274.
Molecular consequence: frameshift variant. On other transcripts: non-coding transcript variant (3).
Genome position (GRCh38, 1-based): chr7:124,853,020, C deleted on the plus strand (G on the coding strand, the reverse complement: POT1 is on the minus strand); the first of 4 consecutive C bases (chr7:124,853,020-124,853,023); deleting any one gives the same sequence. VCF-style (leftmost placement, unchanged base first): chr7-124853019-TC-T. GRCh37 (hg19) VCF-style: chr7-124493073-TC-T.
Other names: c.428del, p.Gly143fs (NM_001042594.2); short protein forms G143fs, G274fs.
Identifiers: ClinVar variation 4824160 (VCV004824160.1).

ClinVar aggregate classification (germline): Pathogenic (1 of 4 stars; one submission).

Conditions:
Hereditary cancer-predisposing syndrome. Also called: Neoplastic Syndromes, Hereditary; Hereditary neoplastic syndrome; Tumor predisposition; Hereditary Cancer Syndrome. Identifiers: Orphanet 140162, MedGen C0027672, MeSH D009386, MONDO:0015356.

Submission:

Ambry Genetics
Classification: Pathogenic for Hereditary cancer-predisposing syndrome. Last evaluated: 2026-01-26. Review status: criteria provided, single submitter. Criteria: Ambry Variant Classification Scheme 2023. Collection method: clinical testing. Allele origin: germline.
Comment: The c.821delG variant, located in coding exon 6 of the POT1 gene, results from a deletion of one nucleotide at nucleotide position 821, causing a translational frameshift with a predicted alternate stop codon (p.G274Efs*15). This variant is considered to be rare based on population cohorts in the Genome Aggregation Database (gnomAD). This alteration is expected to result in loss of function by premature protein truncation or nonsense-mediated mRNA decay. As such, this alteration is interpreted as a disease-causing mutation.